The following is an entry in ClinVar:

NM_003001.5(SDHC):c.302A>G (p.Glu101Gly)

Gene: SDHC (succinate dehydrogenase complex subunit C; plus strand). Cytogenetic location: 1q23.3.
Variant type: single nucleotide variant.
Coding change: c.302A>G on transcript NM_003001.5 (MANE Select); coding-DNA position 302, A replaced by G.
Protein change: p.Glu101Gly; replaces glutamic acid 101 with glycine.
Molecular consequence: missense variant. On other transcripts: non-coding transcript variant (1), intron variant (3).
Genome position (GRCh38, 1-based): chr1:161,356,737, A>G. VCF-style: chr1-161356737-A-G. GRCh37 (hg19) VCF-style: chr1-161326527-A-G.
Other names: c.200A>G, p.Glu67Gly (NM_001035512.3); c.143A>G, p.Glu48Gly (NM_001035513.3); c.422A>G, p.Glu141Gly (NM_001407115.1); c.245A>G, p.Glu82Gly (NM_001407116.1); c.239A>G, p.Glu80Gly (NM_001407117.1); c.194A>G, p.Glu65Gly (NM_001407118.1); c.191A>G, p.Glu64Gly (NM_001407119.1, NM_001407120.1); c.242-5592A>G (NM_001035511.3); and 2 more; short protein forms E101G, E64G, E141G, E48G, E80G, E82G, E65G, E67G.
Identifiers: ClinVar variation 1798998 (VCV001798998.2), dbSNP rs2102370716, ClinGen allele CA343456416.

ClinVar aggregate classification (germline): Uncertain significance (1 of 4 stars; one submission).

Conditions:
Hereditary cancer-predisposing syndrome. Also called: Neoplastic Syndromes, Hereditary; Tumor predisposition; Hereditary Cancer Syndrome; Hereditary neoplastic syndrome. Identifiers: Orphanet 140162, MedGen C0027672, MeSH D009386, MONDO:0015356.

Submission:

Ambry Genetics
Classification: Uncertain significance for Hereditary cancer-predisposing syndrome. Last evaluated: 2021-03-15. Review status: criteria provided, single submitter. Criteria: Ambry Variant Classification Scheme 2023. Collection method: clinical testing. Allele origin: germline.
Comment: The p.E101G variant (also known as c.302A>G), located in coding exon 5 of the SDHC gene, results from an A to G substitution at nucleotide position 302. The glutamic acid at codon 101 is replaced by glycine, an amino acid with similar properties. This amino acid position is not well conserved in available vertebrate species. In addition, the in silico prediction for this alteration is inconclusive. Since supporting evidence is limited at this time, the clinical significance of this alteration remains unclear.